The following is an entry in ClinVar:

NM_000045.4(ARG1):c.709G>T (p.Asp237Tyr)

Genes: ARG1 (arginase 1; plus strand), MED23 (mediator complex subunit 23; minus strand). Cytogenetic location: 6q23.2.
Variant type: single nucleotide variant.
Coding change: c.709G>T on transcript NM_000045.4 (MANE Select); coding-DNA position 709, G replaced by T.
Protein change: p.Asp237Tyr; replaces aspartic acid 237 with tyrosine.
Molecular consequence: missense variant. On other transcripts: non-coding transcript variant (1), intron variant (2).
Genome position (GRCh38, 1-based): chr6:131,583,398, G>T. VCF-style: chr6-131583398-G-T. GRCh37 (hg19) VCF-style: chr6-131904538-G-T.
Other names: c.4077+4311C>A (NM_001270521.2); c.4095+4311C>A (NM_015979.4); c.733G>T, p.Asp245Tyr (NM_001244438.2); c.454G>T, p.Asp152Tyr (NM_001369020.1); short protein forms D152Y, D237Y, D245Y.
Identifiers: ClinVar variation 1720259 (VCV001720259.6), dbSNP rs764273304, ClinGen allele CA365652597.

ClinVar aggregate classification (germline): Uncertain significance (1 of 4 stars; one submission).

Conditions:
Arginase deficiency. Also called: Arginase 1 Deficiency; ARGININEMIA; ARG1 DEFICIENCY. Identifiers: Orphanet 90, MedGen C0268548, MONDO:0008814, OMIM 207800.

gnomAD v4.1: 1 of 1,614,146 alleles (0.000062%); highest among the groups gnomAD compares: Admixed American, 0.0017%; no homozygotes.

Submission:

Labcorp Genetics (formerly Invitae), Labcorp
Classification: Uncertain significance for Arginase deficiency. Last evaluated: 2024-10-21. Review status: criteria provided, single submitter. Criteria: Invitae Variant Classification Sherloc (09022015). Collection method: clinical testing. Allele origin: germline.
Comment: This sequence change replaces aspartic acid, which is acidic and polar, with tyrosine, which is neutral and polar, at codon 237 of the ARG1 protein (p.Asp237Tyr). This variant is present in population databases (no rsID available, gnomAD no frequency). This variant has not been reported in the literature in individuals affected with ARG1-related conditions. ClinVar contains an entry for this variant (Variation ID: 1720259). Invitae Evidence Modeling of protein sequence and biophysical properties (such as structural, functional, and spatial information, amino acid conservation, physicochemical variation, residue mobility, and thermodynamic stability) indicates that this missense variant is expected to disrupt ARG1 protein function with a positive predictive value of 80%. Algorithms developed to predict the effect of sequence changes on RNA splicing suggest that this variant may disrupt the consensus splice site. In summary, the available evidence is currently insufficient to determine the role of this variant in disease. Therefore, it has been classified as a Variant of Uncertain Significance.